The following is an entry in ClinVar:

ClinVar aggregate classification (germline): Pathogenic/Likely pathogenic. Review status: criteria provided, multiple submitters, no conflicts (2 of 4 stars). 10 submissions from 10 submitters: Pathogenic (7); Likely pathogenic (1). 1 of the submissions does not count toward it. Last evaluated 2025-11-21.

Conditions:
Autosomal dominant popliteal pterygium syndrome. Also called: FACIOGENITOPOPLITEAL SYNDROME; CLEFT LIP/PALATE, PARAMEDIAN MUCOUS CYSTS OF THE LOWER LIP, POPLITEAL PTERYGIUM, DIGITAL AND GENITAL ANOMALIES; Popliteal Pterygium Syndrome (PPS). Identifiers: Orphanet 1300, MedGen C5848052, MONDO:0007334, OMIM 119500.
Van der Woude syndrome. Identifiers: Orphanet 888, MedGen C0175697, MONDO:0019508.
Orofacial cleft 6, susceptibility to (OFC6). Also called: CLEFT LIP WITH OR WITHOUT CLEFT PALATE, NONSYNDROMIC, 6. Identifiers: MedGen C1837213, MONDO:0012141, OMIM 608864.
Popliteal pterygium syndrome (PPS). Identifiers: Orphanet 294963, MedGen C0265259, MONDO:0017435.
IRF6-related condition. Also called: IRF6-related disorder; IRF6-Related Disorders. Identifiers: MedGen CN378148, MONDO:1040010.
Van der Woude syndrome 1. Also called: CLEFT LIP AND/OR PALATE WITH MUCOUS CYSTS OF LOWER LIP; van der Woude Syndrome (VWS). Identifiers: MedGen C4551864, MONDO:0007333, OMIM 119300.

Allele frequency attached by ClinVar (database versions not stated): gnomAD exomes below 0.00001.
gnomAD v4.1: 1 of 1,613,952 alleles (0.000062%); highest among the groups gnomAD compares: Non-Finnish European, 0.000085%; no homozygotes.

Submissions (9):

Genetics Laboratory, Great Ormond Street Hospital NHS Foundation Trust, North Thames Genomic Laboratory Hub
Classification: Pathogenic for Van der Woude syndrome. Last evaluated: 2025-11-21. Review status: criteria provided, single submitter. Criteria: ACGS Best Practice Guidelines for Variant Classification in Rare Disease 2024 v1.2. Collection method: clinical testing. Allele origin: germline. Affected: yes.
Comment: PS4_moderate, PM2_moderate, PP3_supporting, PS3_moderate, PM1_moderate, PP2_moderate, PM6_strong

Clinical Biomedical Laboratory, Shriners Hospital For Children - Canada
Classification: Likely pathogenic for Autosomal dominant popliteal pterygium syndrome. Last evaluated: 2025-10-05. Review status: criteria provided, single submitter. Criteria: ACMG Guidelines, 2015. Collection method: clinical testing. Allele origin: germline. Affected: yes.
Comment: This variant is predicted to substitute an arginine residue by a cysteine residue. This variant is absent from the Genome Aggregation Database (v2.1.1).

PreventionGenetics, part of Exact Sciences
Classification: Pathogenic for IRF6-related condition. Last evaluated: 2025-08-08. Review status: criteria provided, single submitter. Criteria: ACMG Guidelines, 2015. Collection method: clinical testing. Allele origin: germline.
Comment: The IRF6 c.250C>T variant is predicted to result in the amino acid substitution p.Arg84Cys. This variant has been reported to be pathogenic for IRF6-related disorder(s) (Kosaki et al. 2012. PubMed ID: 22488974; Leslie et al. 2016. PubMed ID: 26346622; Ratbi et al. 2014. PubMed ID: 25547932; Mubungu et al. 2014. PubMed ID: 25548624). In addition, different missense substitutions impacting the same amino acid (p.Arg84His, p.Arg84Gly, p.Arg84Pro, and p.Arg84Leu) have also been documented to be pathogenic for IRF6-related disorders (Human Gene Mutation Database). The c.250C>T (p.Arg84Cys) variant has not been reported in a large population database, indicating this variant is rare. This variant is interpreted as pathogenic.

Blueprint Genetics
Classification: Pathogenic for IRF6-related disorders. Last evaluated: 2024-08-20. Review status: criteria provided, single submitter. Criteria: ACMG Guidelines, 2015. Collection method: clinical testing. Allele origin: germline. Affected: yes. Observed: 5 variant alleles.

Labcorp Genetics (formerly Invitae), Labcorp
Classification: Pathogenic for Orofacial cleft 6, susceptibility to; Van der Woude syndrome; Popliteal pterygium syndrome. Last evaluated: 2024-04-07. Review status: criteria provided, single submitter. Criteria: Invitae Variant Classification Sherloc (09022015). Collection method: clinical testing. Allele origin: germline.
Comment: This sequence change replaces arginine, which is basic and polar, with cysteine, which is neutral and slightly polar, at codon 84 of the IRF6 protein (p.Arg84Cys). This variant is not present in population databases (gnomAD no frequency). This missense change has been observed in individual(s) with popliteal pterygium syndrome (PMID: 18617879, 22488974, 25547932, 25548624). In at least one individual the variant was observed to be de novo. It has also been observed to segregate with disease in related individuals. ClinVar contains an entry for this variant (Variation ID: 3414). Advanced modeling of protein sequence and biophysical properties (such as structural, functional, and spatial information, amino acid conservation, physicochemical variation, residue mobility, and thermodynamic stability) performed at Invitae indicates that this missense variant is expected to disrupt IRF6 protein function with a positive predictive value of 80%. Experimental studies have shown that this missense change affects IRF6 function (PMID: 19036739). For these reasons, this variant has been classified as Pathogenic.

Department of Genetics, Rouen University Hospital, Normandy Center for Genomic and Personalized Medicine
Classification: Pathogenic for Autosomal dominant popliteal pterygium syndrome. Last evaluated: 2023-05-26. Review status: criteria provided, single submitter. Criteria: ACMG Guidelines, 2015. Collection method: clinical testing. Allele origin: de novo. Affected: yes.

GeneDx
Classification: Pathogenic. Last evaluated: 2022-01-17. Review status: criteria provided, single submitter. Criteria: GeneDx Variant Classification Process June 2021. Collection method: clinical testing. Allele origin: germline. Affected: yes.
Comment: Published functional studies demonstrate p.(R84C) interferes with the DNA-binding ability of the IRF6 protein (Little et al., 2009; Kondo et al., 2002); In silico analysis supports that this missense variant has a deleterious effect on protein structure/function; Not observed at significant frequency in large population cohorts (gnomAD); This variant is associated with the following publications: (PMID: 18617879, 23406900, 15472655, 25547932, 22488974, 25548624, 26346622, 25489771, 12219090, 28945736, 28795449, 23154410, 31488442, 19036739, 27535533)

Clinical Genetics Service, Universitary Hospital 12 de Octubre
Classification: Pathogenic for Van der Woude syndrome 1. Review status: criteria provided, single submitter. Criteria: ACMG Guidelines, 2015. Collection method: clinical testing. Allele origin: germline. Affected: yes.

GeneReviews
No classification provided. Condition: Autosomal dominant popliteal pterygium syndrome. Review status: no classification provided. Collection method: literature only. Allele origin: germline. Not counted in ClinVar's aggregate classification.
Comment: Most commonly seen in persons with popliteal pterygium syndrome

Literature cited by the submitters: PubMed 12219090 (cited by Clinical Biomedical Laboratory, Shriners Hospital For Children - Canada); PubMed 18617879 (cited by Labcorp Genetics (formerly Invitae), Labcorp); PubMed 22488974 (cited by Labcorp Genetics (formerly Invitae), Labcorp); PubMed 25547932 (cited by Labcorp Genetics (formerly Invitae), Labcorp); PubMed 25548624 (cited by Labcorp Genetics (formerly Invitae), Labcorp); PubMed 19036739 (cited by Labcorp Genetics (formerly Invitae), Labcorp); NCBI Bookshelf NBK1407 (cited by GeneReviews).

NM_006147.4(IRF6):c.250C>T (p.Arg84Cys)

Gene: IRF6 (interferon regulatory factor 6; minus strand). Cytogenetic location: 1q32.2.
Variant type: single nucleotide variant.
Coding change: c.250C>T on transcript NM_006147.4 (MANE Select); coding-DNA position 250, C replaced by T.
Protein change: p.Arg84Cys; replaces arginine 84 with cysteine.
Molecular consequence: missense variant. On other transcripts: 5 prime UTR variant (1).
Genome position (GRCh38, 1-based): chr1:209,796,477, G>A on the plus strand (C>T on the coding strand, the complement: IRF6 is on the minus strand). VCF-style: chr1-209796477-G-A. GRCh37 (hg19) VCF-style: chr1-209969822-G-A.
Other names: c.-36C>T (NM_001206696.2); short protein forms R84C.
Identifiers: ClinVar variation 3414 (VCV000003414.24), dbSNP rs121434226, ClinGen allele CA252756.